The following is an entry in ClinVar:

NM_006059.4(LAMC3):c.1270G>A (p.Glu424Lys)

Gene: LAMC3 (laminin subunit gamma 3; plus strand). Cytogenetic location: 9q34.12.
Variant type: single nucleotide variant.
Coding change: c.1270G>A on transcript NM_006059.4 (MANE Select); coding-DNA position 1270, G replaced by A.
Protein change: p.Glu424Lys; replaces glutamic acid 424 with lysine.
Molecular consequence: missense variant.
Genome position (GRCh38, 1-based): chr9:131,039,235, G>A. VCF-style: chr9-131039235-G-A. GRCh37 (hg19) VCF-style: chr9-133914622-G-A.
Other names: short protein forms E424K.
Identifiers: ClinVar variation 1969004 (VCV001969004.4), dbSNP rs1290437323, ClinGen allele CA375259950.

ClinVar aggregate classification (germline): Uncertain significance (1 of 4 stars; one submission).

Submission:

Labcorp Genetics (formerly Invitae), Labcorp
Classification: Uncertain significance. Last evaluated: 2022-08-31. Review status: criteria provided, single submitter. Criteria: Invitae Variant Classification Sherloc (09022015). Collection method: clinical testing. Allele origin: germline.
Comment: This sequence change replaces glutamic acid, which is acidic and polar, with lysine, which is basic and polar, at codon 424 of the LAMC3 protein (p.Glu424Lys). This variant is not present in population databases (gnomAD no frequency). This variant has not been reported in the literature in individuals affected with LAMC3-related conditions. Algorithms developed to predict the effect of missense changes on protein structure and function are either unavailable or do not agree on the potential impact of this missense change (SIFT: "Tolerated"; PolyPhen-2: "Possibly Damaging"; Align-GVGD: "Class C0"). In summary, the available evidence is currently insufficient to determine the role of this variant in disease. Therefore, it has been classified as a Variant of Uncertain Significance.